The following is an entry in ClinVar:

NM_001199107.2(TBC1D24):c.776C>A (p.Pro259Gln)

Gene: TBC1D24 (TBC1 domain family member 24; plus strand). Cytogenetic location: 16p13.3.
Variant type: single nucleotide variant.
Coding change: c.776C>A on transcript NM_001199107.2 (MANE Select); coding-DNA position 776, C replaced by A.
Protein change: p.Pro259Gln; replaces proline 259 with glutamine.
Molecular consequence: missense variant.
Genome position (GRCh38, 1-based): chr16:2,496,924, C>A. VCF-style: chr16-2496924-C-A. GRCh37 (hg19) VCF-style: chr16-2546925-C-A.
Other names: c.776C>A, p.Pro259Gln (NM_020705.3); short protein forms P259Q.
Identifiers: ClinVar variation 436946 (VCV000436946.16), dbSNP rs779398267, ClinGen allele CA394377273.

ClinVar aggregate classification (germline): Uncertain significance. Review status: criteria provided, multiple submitters, no conflicts (2 of 4 stars). 3 submissions from 3 submitters: Uncertain significance (3). Last evaluated 2026-05-11.

Conditions:
Autosomal dominant nonsyndromic hearing loss 65. Also called: TBC1D24-Related Autosomal Dominant Nonsyndromic Hearing Loss (DFNA); Deafness, autosomal dominant 65. Identifiers: Orphanet 90635, MedGen C3892048, MONDO:0014470, OMIM 616044.
Developmental and epileptic encephalopathy, 1 (DEE1). Also called: X-linked infantile spasms; West's syndrome; Tonic spasms with clustering, arrest of psychomotor development and hypsarrhythmia on EEG; X-Linked Infantile Spasm Syndrome; INFANTILE SPASM SYNDROME, X-LINKED 1; OHTAHARA SYNDROME, X-LINKED. Identifiers: MedGen C3463992, MONDO:0010632, OMIM 308350. Disease mechanism: loss of function.
TBC1D24-related disorder. Also called: TBC1D24-related condition; TBC1D24-related disorders. Identifiers: MedGen CN381194.

Allele frequency attached by ClinVar (database versions not stated): TOPMed 0.00001; gnomAD 0.00003.
gnomAD v4.1: 10 of 1,613,928 alleles (0.00062%); highest among the groups gnomAD compares: African/African-American, 0.012%; no homozygotes.

Submissions (3):

PreventionGenetics, part of Exact Sciences
Classification: Uncertain significance for TBC1D24-related condition. Last evaluated: 2026-05-11. Review status: criteria provided, single submitter. Criteria: ACMG Guidelines, 2015. Collection method: clinical testing. Allele origin: germline.
Comment: The TBC1D24 c.776C>A variant is predicted to result in the amino acid substitution p.Pro259Gln. To our knowledge, this variant has not been reported in the literature. This variant is reported in 0.012% of alleles in individuals of African descent in gnomAD. At this time, the clinical significance of this variant is uncertain due to the absence of conclusive functional and genetic evidence.

Labcorp Genetics (formerly Invitae), Labcorp
Classification: Uncertain significance for Developmental and epileptic encephalopathy, 1; Autosomal dominant nonsyndromic hearing loss 65. Last evaluated: 2024-11-07. Review status: criteria provided, single submitter. Criteria: Invitae Variant Classification Sherloc (09022015). Collection method: clinical testing. Allele origin: germline.
Comment: This sequence change replaces proline, which is neutral and non-polar, with glutamine, which is neutral and polar, at codon 259 of the TBC1D24 protein (p.Pro259Gln). This variant is present in population databases (no rsID available, gnomAD 0.01%). This variant has not been reported in the literature in individuals affected with TBC1D24-related conditions. ClinVar contains an entry for this variant (Variation ID: 436946). Invitae Evidence Modeling of protein sequence and biophysical properties (such as structural, functional, and spatial information, amino acid conservation, physicochemical variation, residue mobility, and thermodynamic stability) indicates that this missense variant is not expected to disrupt TBC1D24 protein function with a negative predictive value of 95%. In summary, the available evidence is currently insufficient to determine the role of this variant in disease. Therefore, it has been classified as a Variant of Uncertain Significance.

Genetic Services Laboratory, University of Chicago
Classification: Uncertain significance. Last evaluated: 2017-05-05. Review status: criteria provided, single submitter. Criteria: ACMG Guidelines, 2015. Collection method: clinical testing. Allele origin: germline. Affected: no.